The following is an entry in ClinVar:

NM_000203.5(IDUA):c.1402+1G>A

Gene: IDUA (alpha-L-iduronidase; plus strand). Cytogenetic location: 4p16.3.
Variant type: single nucleotide variant.
Coding change: c.1402+1G>A on transcript NM_000203.5 (MANE Select); the canonical splice donor site of the intron after coding-DNA position 1402, G replaced by A.
Molecular consequence: splice donor variant.
Genome position (GRCh38, 1-based): chr4:1,002,945, G>A. VCF-style: chr4-1002945-G-A. GRCh37 (hg19) VCF-style: chr4-996733-G-A.
Other names: c.1006+1G>A (NM_001363576.1).
Identifiers: ClinVar variation 555490 (VCV000555490.4), dbSNP rs398123254, ClinGen allele CA355964379.

ClinVar aggregate classification (germline): Likely pathogenic. Review status: reviewed by expert panel (3 of 4 stars). 3 submissions from 3 submitters: Likely pathogenic (1). 2 of the submissions do not count toward it. Last evaluated 2024-12-05.

Conditions:
Hurler syndrome. Also called: Gargoylism, Hurler Syndrome; MUCOPOLYSACCHARIDOSIS TYPE IH; Severe MPS I (Hurler Syndrome). Identifiers: Orphanet 93473, MedGen C0086795, MONDO:0011758, OMIM 607014.
Mucopolysaccharidosis, MPS-I-S. Also called: Scheie Syndrome; MPS V; MUCOPOLYSACCHARIDOSIS TYPE V; MUCOPOLYSACCHARIDOSIS TYPE IS. Identifiers: Orphanet 93474, MedGen C0026708, MONDO:0011760, OMIM 607016.
Mucopolysaccharidosis, MPS-I-H/S. Also called: Mucopolysaccharidosis type IH/S. Identifiers: Orphanet 93476, MedGen C0086431, MONDO:0011759, OMIM 607015.
Mucopolysaccharidosis type 1. Also called: Mucopolysaccharidosis Type I; IDUA deficiency; MPS I. Identifiers: Orphanet 579, MedGen C0023786, MONDO:0001586.

Submissions (3):

ClinGen Lysosomal Storage Disorder Variant Curation Expert Panel
Classification: Likely pathogenic for Mucopolysaccharidosis type 1. Last evaluated: 2024-12-05. Review status: reviewed by expert panel. Criteria: ClinGen LSD ACMG Specifications IDUA V1.0.0. Collection method: curation. Allele origin: germline. Inheritance: Autosomal recessive inheritance.
Comment: The NM_000203.5:c.1402+1G>A variant in IDUA occurs within the canonical splice donor site of intron 9. While the effect of this change has not been proven experimentally, it is predicted to cause skipping of biologically-relevant-exon 9 out of 14 total exons, resulting in an in-frame deletion of amino acids 397-467 which represents >10% of the protein (PVS1_Strong). This variant has been detected in at least two individuals with MPS I. Of those individuals, one was compound heterozygous for the variant and c.502G>T p.(Gly168Ter), which is classified as pathogenic by the ClinGen Lysosomal Diseases VCEP; it is unknown if these variants were confirmed in trans (PMID: 33301762). The other individual was homozygous for the variant (PMID: 27146977) (PM3). These two patients had documented IDUA deficiency within the affected range in leukocytes and clinical features specific to MPS I including coarse facies, hepatosplenomegaly, corneal opacity, recurrent infections, intellectual disability, hernia, and/or cardiomegaly, cardiomyopathy, and dysostosis multiplex (PP4)(PMIDs: 33301762, 27146977). This variant is absent in gnomAD v4.0. (PM2_Supporting). There is a ClinVar entry for this variant (Variation ID: 555490). In summary, this variant meets the criteria to be classified as likely pathogenic for MPS I based on the IDUA-specific ACMG/AMP criteria applied, as specified by the ClinGen Lysosomal Diseases Variant Curation Expert Panel (Specifications Version 1.0.0): (PVS1_Strong, PM3, PP4, PM2_Supporting). (Classification approved by the ClinGen Lysosomal Diseases Variant Curation Expert Panel on December 5, 2024).

Fulgent Genetics
Classification: Likely pathogenic for Hurler syndrome; Mucopolysaccharidosis, MPS-I-H/S; Mucopolysaccharidosis, MPS-I-S. Last evaluated: 2024-03-24. Review status: criteria provided, single submitter. Criteria: ACMG Guidelines, 2015. Collection method: clinical testing. Allele origin: germline. Not counted in ClinVar's aggregate classification.

Counsyl
Classification: Likely pathogenic for Hurler syndrome. Last evaluated: 2017-12-06. Review status: no assertion criteria provided. Collection method: clinical testing. Allele origin: unknown. Not counted in ClinVar's aggregate classification.

Literature cited by the submitters: PubMed 27146977 (cited by Counsyl).